The following is an entry in ClinVar:

ClinVar aggregate classification (germline): Pathogenic (1 of 4 stars; one submission).

Conditions:
Ataxia-telangiectasia syndrome (AT). Also called: Ataxia-telangiectasia; LOUIS-BAR SYNDROME; Ataxia-telangiectasia, complementation group D; AT, COMPLEMENTATION GROUP C; ATAXIA-TELANGIECTASIA, COMPLEMENTATION GROUP A; ATAXIA-TELANGIECTASIA, FRESNO VARIANT. Identifiers: Orphanet 100, MedGen C0004135, MONDO:0008840, OMIM 208900.

Submission:

Labcorp Genetics (formerly Invitae), Labcorp
Classification: Pathogenic for Ataxia-telangiectasia syndrome. Last evaluated: 2021-05-10. Review status: criteria provided, single submitter. Criteria: Invitae Variant Classification Sherloc (09022015). Collection method: clinical testing. Allele origin: germline.
Comment: This sequence change creates a premature translational stop signal (p.Glu3021Lysfs*12) in the ATM gene. While this is not anticipated to result in nonsense mediated decay, it is expected to disrupt the last 36 amino acid(s) of the ATM protein. For these reasons, this variant has been classified as Pathogenic. This variant disrupts the C-terminus of the ATM protein. Other variant(s) that disrupt this region (p.Arg3047*) have been determined to be pathogenic (PMID: 8755918, 19691550, 18560558, 10980530, 26628246, 1943118). This suggests that variants that disrupt this region of the protein are likely to be causative of disease. This variant has not been reported in the literature in individuals with ATM-related conditions. This variant is not present in population databases (ExAC no frequency).

Literature cited by the submitters: PubMed 8755918; PubMed 19691550; PubMed 18560558; PubMed 10980530; PubMed 26628246; PubMed 1943118.

NM_000051.4(ATM):c.9061del (p.Glu3021fs)

Genes: ATM (ATM serine/threonine kinase; plus strand), C11orf65 (chromosome 11 open reading frame 65; minus strand). Cytogenetic location: 11q22.3.
Variant type: Deletion.
Coding change: c.9061del on transcript NM_000051.4 (MANE Select); coding-DNA position 9061, one base deleted (G; older notation c.9061delG).
Protein change: p.Glu3021fs; shifts the reading frame from glutamic acid 3021.
Molecular consequence: frameshift variant. On other transcripts: intron variant (2).
Genome position (GRCh38, 1-based): chr11:108,365,398, G deleted; the last of 2 consecutive G bases (chr11:108,365,397-108,365,398); deleting either gives the same sequence. VCF-style (leftmost placement, unchanged base first): chr11-108365396-TG-T. GRCh37 (hg19) VCF-style: chr11-108236123-TG-T.
Other names: c.9061del, p.Glu3021fs (NM_001351834.2); c.640+20523del (NM_001330368.2); c.694+20523del (NM_001351110.2); short protein forms E3021fs.
Identifiers: ClinVar variation 1425463 (VCV001425463.9), dbSNP rs2137914537, ClinGen allele CA2573146525.
Genomic context (GRCh38, chr11:108,365,396, plus strand): 5'-AGAGTTTCAACAAAGTAGCTGAACGTGTCTTAATGAGACTACAAGAGAAACTGAAAGGAG[TG>T]GAAGAAGGCACTGTGCTCAGTGTTGGTGGACAAGTGAATTTGCTCATACAGCAGGCCATA-3'